The following is an entry in ClinVar:

NM_004360.5(CDH1):c.1833C>A (p.Val611=)

Gene: CDH1 (cadherin 1; plus strand). Cytogenetic location: 16q22.1.
Variant type: single nucleotide variant.
Coding change: c.1833C>A on transcript NM_004360.5 (MANE Select); coding-DNA position 1833, C replaced by A.
Protein change: p.Val611=; no amino-acid change (valine 611 retained).
Molecular consequence: synonymous variant. On other transcripts: 5 prime UTR variant (1).
Genome position (GRCh38, 1-based): chr16:68,822,122, C>A. VCF-style: chr16-68822122-C-A. GRCh37 (hg19) VCF-style: chr16-68856025-C-A.
Other names: c.1650C>A, p.Val550= (NM_001317184.2); c.285C>A, p.Val95= (NM_001317185.2); c.-133C>A (NM_001317186.2).
Identifiers: ClinVar variation 1780995 (VCV001780995.3), dbSNP rs748413209, ClinGen allele CA496392645.

ClinVar aggregate classification (germline): Uncertain significance (1 of 4 stars; one submission).

Conditions:
Hereditary cancer-predisposing syndrome. Also called: Tumor predisposition; Hereditary Cancer Syndrome; Hereditary neoplastic syndrome; Neoplastic Syndromes, Hereditary. Identifiers: Orphanet 140162, MedGen C0027672, MeSH D009386, MONDO:0015356.

gnomAD v4.1: 1 of 1,614,152 alleles (0.000062%); highest among the groups gnomAD compares: South Asian, 0.0011%; no homozygotes.

Submission:

Ambry Genetics
Classification: Uncertain significance for Hereditary cancer-predisposing syndrome. Last evaluated: 2026-02-13. Review status: criteria provided, single submitter. Criteria: Ambry Variant Classification Scheme 2023. Collection method: clinical testing. Allele origin: germline.
Comment: The c.1833C>A variant (also known as p.V611V), located in coding exon 12, results from a C to A substitution at nucleotide position 1833 of the CDH1 gene. This nucleotide position is poorly conserved in available vertebrate species. In silico splice site analysis predicts that this alteration will result in the creation or strengthening of a novel splice donor site. Since supporting evidence is limited at this time, the clinical significance of this alteration remains unclear.